The following is an entry in ClinVar:

NM_024642.5(GALNT12):c.795C>T (p.Phe265=)

Gene: GALNT12 (polypeptide N-acetylgalactosaminyltransferase 12; plus strand). Cytogenetic location: 9q22.33.
Variant type: single nucleotide variant.
Coding change: c.795C>T on transcript NM_024642.5 (MANE Select); coding-DNA position 795, C replaced by T.
Protein change: p.Phe265=; no amino-acid change (phenylalanine 265 retained).
Molecular consequence: synonymous variant.
Genome position (GRCh38, 1-based): chr9:98,831,835, C>T. VCF-style: chr9-98831835-C-T. GRCh37 (hg19) VCF-style: chr9-101594117-C-T.
Identifiers: ClinVar variation 1761398 (VCV001761398.8), dbSNP rs774616588, ClinGen allele CA5154058.
Genomic context (GRCh38, chr9:98,831,835, plus strand): 5'-CCATGAAGAGGAGTCGGCAGTGGTGTGCCCGGTGATTGATGTGATCGACTGGAACACCTT[C>T]GAATACCTGGGGAACTCCGGGGAGCCCCAGATCGGCGGTTTCGACTGGAGGCTGGTGTTC-3'
Protein context (NP_078918.3, residues 255-275): PVIDVIDWNT[Phe265=]EYLGNSGEPQ

ClinVar aggregate classification (germline): Benign/Likely benign. Review status: criteria provided, multiple submitters, no conflicts (2 of 4 stars). 3 submissions from 3 submitters: Benign (1); Likely benign (2). Last evaluated 2026-04-24.

Conditions:
Colorectal cancer, susceptibility to, 1. Also called: COLORECTAL ADENOMA AND CANCER, SUSCEPTIBILITY TO; COLORECTAL CANCER, SUSCEPTIBILITY TO, ON CHROMOSOME 9. Identifiers: MedGen C1837315, MONDO:0012132, OMIM 608812.

Allele frequency attached by ClinVar (database versions not stated): ExAC 0.00003; TOPMed 0.00001; gnomAD 0.00001.
gnomAD v4.1: 19 of 1,614,066 alleles (0.0012%); highest among the groups gnomAD compares: South Asian, 0.0099%; 1 homozygote.

Submissions (3):

Myriad Genetics, Inc.
Classification: Benign for Colorectal cancer, susceptibility to, 1. Last evaluated: 2026-04-24. Review status: criteria provided, single submitter. Criteria: Myriad Autosomal Dominant, Autosomal Recessive and X-Linked Classification Criteria (2023). Collection method: clinical testing. Allele origin: unknown.
Comment: This variant is considered benign. This variant is a silent/synonymous amino acid change and it is not expected to impact splicing.

Labcorp Genetics (formerly Invitae), Labcorp
Classification: Likely benign. Last evaluated: 2024-02-22. Review status: criteria provided, single submitter. Criteria: Invitae Variant Classification Sherloc (09022015). Collection method: clinical testing. Allele origin: germline.

Ambry Genetics
Classification: Likely benign. Last evaluated: 2020-10-23. Review status: criteria provided, single submitter. Criteria: Ambry Variant Classification Scheme 2023. Collection method: clinical testing. Allele origin: germline.